The following is an entry in ClinVar:

NM_147127.5(EVC2):c.1747A>T (p.Ser583Cys)

Gene: EVC2 (EvC ciliary complex subunit 2; minus strand). Cytogenetic location: 4p16.2.
Variant type: single nucleotide variant.
Coding change: c.1747A>T on transcript NM_147127.5 (MANE Select); coding-DNA position 1747, A replaced by T.
Protein change: p.Ser583Cys; replaces serine 583 with cysteine.
Molecular consequence: missense variant.
Genome position (GRCh38, 1-based): chr4:5,628,698, T>A on the plus strand (A>T on the coding strand, the complement: EVC2 is on the minus strand). VCF-style: chr4-5628698-T-A. GRCh37 (hg19) VCF-style: chr4-5630425-T-A.
Other names: c.1507A>T, p.Ser503Cys (NM_001166136.2); short protein forms S503C, S583C.
Identifiers: ClinVar variation 862757 (VCV000862757.5), dbSNP rs1222356750, ClinGen allele CA356147867.

ClinVar aggregate classification (germline): Uncertain significance. Review status: criteria provided, multiple submitters, no conflicts (2 of 4 stars). 2 submissions from 2 submitters: Uncertain significance (2). Last evaluated 2024-04-08.

Conditions:
Inborn genetic diseases. Identifiers: MedGen C0950123, MeSH D030342.
Ellis-van Creveld syndrome (EVC). Also called: EVC-Related Ellis-van Creveld Syndrome; EVC2-Related Ellis-van Creveld Syndrome; MESOECTODERMAL DYSPLASIA; Chondroectodermal dysplasia. Identifiers: Orphanet 289, MedGen C0013903, MONDO:0009162, OMIM 225500.
Curry-Hall syndrome (WAD). Also called: WEYERS ACRODENTAL DYSOSTOSIS. Identifiers: Orphanet 952, MedGen C0457013, MONDO:0008673, OMIM 193530.

Allele frequency attached by ClinVar (database versions not stated): gnomAD exomes 0.00001; TOPMed 0.00006.
gnomAD v4.1: 20 of 1,613,592 alleles (0.0012%); highest among the groups gnomAD compares: African/African-American, 0.015%; no homozygotes.

Submissions (2):

Labcorp Genetics (formerly Invitae), Labcorp
Classification: Uncertain significance for Curry-Hall syndrome; Ellis-van Creveld syndrome. Last evaluated: 2024-04-08. Review status: criteria provided, single submitter. Criteria: Invitae Variant Classification Sherloc (09022015). Collection method: clinical testing. Allele origin: germline.
Comment: This sequence change replaces serine, which is neutral and polar, with cysteine, which is neutral and slightly polar, at codon 583 of the EVC2 protein (p.Ser583Cys). This variant is present in population databases (no rsID available, gnomAD 0.01%). This variant has not been reported in the literature in individuals affected with EVC2-related conditions. ClinVar contains an entry for this variant (Variation ID: 862757). An algorithm developed to predict the effect of missense changes on protein structure and function (PolyPhen-2) suggests that this variant is likely to be disruptive. In summary, the available evidence is currently insufficient to determine the role of this variant in disease. Therefore, it has been classified as a Variant of Uncertain Significance.

Ambry Genetics
Classification: Uncertain significance for Inborn genetic diseases. Last evaluated: 2021-12-07. Review status: criteria provided, single submitter. Criteria: Ambry Variant Classification Scheme 2023. Collection method: clinical testing. Allele origin: germline.